The following is an entry in ClinVar:

NM_000548.5(TSC2):c.1783C>G (p.Gln595Glu)

Gene: TSC2 (TSC complex subunit 2; plus strand). Cytogenetic location: 16p13.3.
Variant type: single nucleotide variant.
Coding change: c.1783C>G on transcript NM_000548.5 (MANE Select); coding-DNA position 1783, C replaced by G.
Protein change: p.Gln595Glu; replaces glutamine 595 with glutamic acid.
Molecular consequence: missense variant.
Genome position (GRCh38, 1-based): chr16:2,070,522, C>G. VCF-style: chr16-2070522-C-G. GRCh37 (hg19) VCF-style: chr16-2120523-C-G.
Other names: c.1783C>G, p.Gln595Glu (NM_001077183.3, NM_001114382.3, NM_001363528.2 and 3 more transcripts); c.1672C>G, p.Gln558Glu (NM_001318827.2); c.1636C>G, p.Gln546Glu (NM_001318829.2); c.1183C>G, p.Gln395Glu (NM_001318831.2); c.1816C>G, p.Gln606Glu (NM_001318832.2); c.1783C>G (NM_001114382.2); short protein forms Q595E, Q395E, Q546E, Q558E, Q606E.
Identifiers: ClinVar variation 406007 (VCV000406007.16), dbSNP rs45517199, ClinGen allele CA16614929.
Genomic context (GRCh38, chr16:2,070,522, plus strand): 5'-CTGTACACCCTGCCTGCAAGCCACGCCACGCGTGTGTATGAGATGCTGGTCAGCCACATT[C>G]AGCTCCACTACAAGCACAGCTACACCCTGCCAATCGCGAGCAGCATCCGGCTGCAGGTAT-3'
Protein context (NP_000539.2, residues 585-605): RVYEMLVSHI[Gln595Glu]LHYKHSYTLP

ClinVar aggregate classification (germline): Conflicting classifications of pathogenicity. Review status: criteria provided, conflicting classifications (1 of 4 stars). 4 submissions from 4 submitters: Uncertain significance (2); Benign (1); Likely benign (1). Last evaluated 2025-09-11.

Conditions:
Tuberous sclerosis syndrome (TSC). Also called: Tuberous sclerosis; Tuberous Sclerosis Complex. Identifiers: Orphanet 805, MedGen C0041341, MONDO:0001734.
Tuberous sclerosis 2 (TSC2). Identifiers: Orphanet 805, MedGen C1860707, MONDO:0013199, OMIM 613254.
Hereditary cancer-predisposing syndrome. Also called: Neoplastic Syndromes, Hereditary; Tumor predisposition; Hereditary Cancer Syndrome; Hereditary neoplastic syndrome. Identifiers: Orphanet 140162, MedGen C0027672, MeSH D009386, MONDO:0015356.

Allele frequency attached by ClinVar (database versions not stated): gnomAD exomes 0.00001 and below 0.00001.
gnomAD v4.1: 8 of 1,613,390 alleles (0.0005%); highest among the groups gnomAD compares: Middle Eastern, 0.033%; no homozygotes.

Submissions (4):

Labcorp Genetics (formerly Invitae), Labcorp
Classification: Benign for Tuberous sclerosis 2. Last evaluated: 2025-09-11. Review status: criteria provided, single submitter. Criteria: Invitae Variant Classification Sherloc (09022015). Collection method: clinical testing. Allele origin: germline.

Hema, HEMA – Genetic and Molecular Diagnostic Laboratory
Classification: Uncertain significance for Tuberous sclerosis syndrome. Last evaluated: 2024-01-22. Review status: criteria provided, single submitter. Criteria: HEMA Variant Classification Assertion Criteria. Collection method: clinical testing. Allele origin: germline.
Comment: The c.1783C>G variant is a transversion from cytosine to guanine, resulting in the substitution of glutamine 595 with glutamic acid in the TSC2 protein. PM2_Supporting: Present at very low frequency in gnomAD.

Quest Diagnostics Nichols Institute San Juan Capistrano
Classification: Uncertain significance. Last evaluated: 2024-01-15. Review status: criteria provided, single submitter. Criteria: Quest Diagnostics criteria. Collection method: clinical testing. Allele origin: unknown.

Ambry Genetics
Classification: Likely benign for Hereditary cancer-predisposing syndrome. Last evaluated: 2023-05-03. Review status: criteria provided, single submitter. Criteria: Ambry Variant Classification Scheme 2023. Collection method: clinical testing. Allele origin: germline.

Literature cited by the submitters: PubMed 35966080 (cited by Quest Diagnostics Nichols Institute San Juan Capistrano).